The following is an entry in ClinVar:

ClinVar aggregate classification (germline): Uncertain significance (1 of 4 stars; one submission).

Conditions:
Dyskeratosis congenita, autosomal recessive 5 (DKCB5). Identifiers: MedGen C3554656, MONDO:0014076, OMIM 615190.
Pulmonary fibrosis and/or bone marrow failure, Telomere-related, 3. Also called: PULMONARY FIBROSIS AND/OR BONE MARROW FAILURE SYNDROME, TELOMERE-RELATED, 3. Identifiers: Orphanet 2032, MedGen C4225346, MONDO:0014613, OMIM 616373.

Submission:

Labcorp Genetics (formerly Invitae), Labcorp
Classification: Uncertain significance for Dyskeratosis congenita, autosomal recessive 5; Pulmonary fibrosis and/or bone marrow failure, Telomere-related, 3. Last evaluated: 2024-05-14. Review status: criteria provided, single submitter. Criteria: Invitae Variant Classification Sherloc (09022015). Collection method: clinical testing. Allele origin: germline.
Comment: This sequence change replaces histidine, which is basic and polar, with glutamine, which is neutral and polar, at codon 1123 of the RTEL1 protein (p.His1123Gln). This variant is not present in population databases (gnomAD no frequency). This variant has not been reported in the literature in individuals affected with RTEL1-related conditions. An algorithm developed to predict the effect of missense changes on protein structure and function (PolyPhen-2) suggests that this variant is likely to be tolerated. Algorithms developed to predict the effect of sequence changes on RNA splicing suggest that this variant may disrupt the consensus splice site. In summary, the available evidence is currently insufficient to determine the role of this variant in disease. Therefore, it has been classified as a Variant of Uncertain Significance.

NM_001283009.2(RTEL1):c.3369C>G (p.His1123Gln)

Genes: RTEL1 (regulator of telomere elongation helicase 1; plus strand), RTEL1-TNFRSF6B (RTEL1-TNFRSF6B readthrough (NMD candidate); plus strand). Cytogenetic location: 20q13.33.
Variant type: single nucleotide variant.
Coding change: c.3369C>G on transcript NM_001283009.2 (MANE Select); coding-DNA position 3369, C replaced by G.
Protein change: p.His1123Gln; replaces histidine 1123 with glutamine.
Molecular consequence: missense variant. On other transcripts: non-coding transcript variant (1).
Genome position (GRCh38, 1-based): chr20:63,695,091, C>G. VCF-style: chr20-63695091-C-G. GRCh37 (hg19) VCF-style: chr20-62326444-C-G.
Other names: c.2700C>G, p.His900Gln (NM_001283010.1); c.3369C>G, p.His1123Gln (NM_016434.4); c.3441C>G, p.His1147Gln (NM_032957.5); short protein forms H1123Q, H1147Q, H900Q.
Identifiers: ClinVar variation 3763776 (VCV003763776.2).